The following is an entry in ClinVar:

NM_080425.4(GNAS):c.563G>A (p.Gly188Asp)

Gene: GNAS (GNAS complex locus; plus strand). Cytogenetic location: 20q13.32.
Variant type: single nucleotide variant.
Coding change: c.563G>A on transcript NM_080425.4 (MANE Plus Clinical); coding-DNA position 563, G replaced by A.
Protein change: p.Gly188Asp; replaces glycine 188 with aspartic acid.
Molecular consequence: missense variant. On other transcripts: intron variant (3).
Genome position (GRCh38, 1-based): chr20:58,853,828, G>A. VCF-style: chr20-58853828-G-A. GRCh37 (hg19) VCF-style: chr20-57428883-G-A.
Other names: c.376G>A, p.Ala126Thr (NM_001077490.3, NM_001309883.1); c.563G>A, p.Gly188Asp (NM_001410913.1); c.*42+12942G>A (NM_016592.5); c.43+12942G>A (NM_001410912.1); c.-39+11953G>A (NM_001309861.2); short protein forms A126T, G188D.
Identifiers: ClinVar variation 2635939 (VCV002635939.2), dbSNP rs375486178, ClinGen allele CA316341666.

ClinVar aggregate classification (germline): Uncertain significance (1 of 4 stars; one submission).

Conditions:
GNAS-related disorder. Identifiers: MedGen CN380105.

Allele frequency attached by ClinVar (database versions not stated): gnomAD 0.00001; TOPMed 0.00002; ESP Exome Variant Server 0.00008.
gnomAD v4.1: 9 of 1,600,396 alleles (0.00056%); highest among the groups gnomAD compares: African/African-American, 0.004%; no homozygotes.

Submission:

PreventionGenetics, part of Exact Sciences
Classification: Uncertain significance for GNAS-related condition. Last evaluated: 2026-06-10. Review status: criteria provided, single submitter. Criteria: ACMG Guidelines, 2015. Collection method: clinical testing. Allele origin: germline.
Comment: The GNAS c.563G>A variant is predicted to result in the amino acid substitution p.Gly188Asp. Of note, in the more commonly reported transcript (NM_000516.5), this variant is precoding (c.-37899G>A). To our knowledge, this variant has not been reported in the literature. This variant is reported in 0.014% of alleles in individuals of African descent in gnomAD. At this time, the clinical significance of this variant is uncertain due to the absence of conclusive functional and genetic evidence.